The following is an entry in ClinVar:

ClinVar aggregate classification (germline): Uncertain significance (1 of 4 stars; one submission).

Conditions:
Oculofaciocardiodental syndrome (MCOPS2). Identifiers: Orphanet 2712, MedGen C1846265, MONDO:0010261, OMIM 300166.

Allele frequency attached by ClinVar (database versions not stated): ExAC 0.00001; gnomAD 0.00002; TOPMed 0.00002; 1000 Genomes Project 30x 0.00021; 1000 Genomes Project 0.00026.
gnomAD v4.1: 12 of 1,207,906 alleles (0.00099%); highest among the groups gnomAD compares: African/African-American, 0.0018%; no homozygotes.

Submission:

Labcorp Genetics (formerly Invitae), Labcorp
Classification: Uncertain significance for Oculofaciocardiodental syndrome. Last evaluated: 2025-03-28. Review status: criteria provided, single submitter. Criteria: Invitae Variant Classification Sherloc (09022015). Collection method: clinical testing. Allele origin: germline.
Comment: This sequence change replaces aspartic acid, which is acidic and polar, with asparagine, which is neutral and polar, at codon 1355 of the BCOR protein (p.Asp1355Asn). This variant is present in population databases (rs760406187, gnomAD 0.008%). This variant has not been reported in the literature in individuals affected with BCOR-related conditions. ClinVar contains an entry for this variant (Variation ID: 2730564). Invitae Evidence Modeling of protein sequence and biophysical properties (such as structural, functional, and spatial information, amino acid conservation, physicochemical variation, residue mobility, and thermodynamic stability) indicates that this missense variant is not expected to disrupt BCOR protein function with a negative predictive value of 80%. In summary, the available evidence is currently insufficient to determine the role of this variant in disease. Therefore, it has been classified as a Variant of Uncertain Significance.

NM_001123385.2(BCOR):c.4165G>A (p.Asp1389Asn)

Gene: BCOR (BCL6 corepressor; minus strand). Cytogenetic location: Xp11.4.
Variant type: single nucleotide variant.
Coding change: c.4165G>A on transcript NM_001123385.2 (MANE Select); coding-DNA position 4165, G replaced by A.
Protein change: p.Asp1389Asn; replaces aspartic acid 1389 with asparagine.
Molecular consequence: missense variant.
Genome position (GRCh38, 1-based): chrX:40,062,754, C>T on the plus strand (G>A on the coding strand, the complement: BCOR is on the minus strand). VCF-style: chrX-40062754-C-T. GRCh37 (hg19) VCF-style: chrX-39922007-C-T.
Other names: c.4063G>A, p.Asp1355Asn (NM_017745.6, NM_001123383.2); c.4009G>A, p.Asp1337Asn (NM_001123384.2); short protein forms D1355N, D1389N, D1337N.
Identifiers: ClinVar variation 2730564 (VCV002730564.3), dbSNP rs760406187, ClinGen allele CA10386503.